The following is an entry in ClinVar:

ClinVar aggregate classification (germline): Likely pathogenic (1 of 4 stars; one submission).

Conditions:
Deficiency of adenosine deaminase 2. Also called: Adenosine Deaminase 2 Deficiency; VASCULITIS, AUTOINFLAMMATION, IMMUNODEFICIENCY, AND HEMATOLOGIC DEFECTS SYNDROME; Polyarteritis nodosa, childhoood-onset. Identifiers: Orphanet 404553, MedGen C3887654, MONDO:0014306, OMIM 615688, MONDO:0100317.

Submission:

Labcorp Genetics (formerly Invitae), Labcorp
Classification: Likely pathogenic for Deficiency of adenosine deaminase 2. Last evaluated: 2025-05-15. Review status: criteria provided, single submitter. Criteria: Invitae Variant Classification Sherloc (09022015). Collection method: clinical testing. Allele origin: germline.
Comment: This sequence change affects a donor splice site in intron 4 of the ADA2 gene. It is expected to disrupt RNA splicing. Variants that disrupt the donor or acceptor splice site typically lead to a loss of protein function (PMID: 16199547), and loss-of-function variants in ADA2 are known to be pathogenic (PMID: 24552284, 24552285). This variant is not present in population databases (gnomAD no frequency). This variant has not been reported in the literature in individuals affected with ADA2-related conditions. Algorithms developed to predict the effect of sequence changes on RNA splicing suggest that this variant may disrupt the consensus splice site. In summary, the currently available evidence indicates that the variant is pathogenic, but additional data are needed to prove that conclusively. Therefore, this variant has been classified as Likely Pathogenic.

Literature cited by the submitters: PubMed 16199547; PubMed 24552284; PubMed 24552285.

NM_001282225.2(ADA2):c.753+1G>A

Gene: ADA2 (adenosine deaminase 2; minus strand). Cytogenetic location: 22q11.1.
Variant type: single nucleotide variant.
Coding change: c.753+1G>A on transcript NM_001282225.2 (MANE Select); the canonical splice donor site of the intron after coding-DNA position 753, G replaced by A.
Molecular consequence: splice donor variant.
Genome position (GRCh38, 1-based): chr22:17,203,562, C>T on the plus strand (G>A on the coding strand, the complement: ADA2 is on the minus strand). VCF-style: chr22-17203562-C-T. GRCh37 (hg19) VCF-style: chr22-17684452-C-T.
Other names: c.627+1G>A (NM_001282227.2, NM_001282228.2); c.393+1G>A (NM_001282229.2); c.753+1G>A (NM_001282226.2).
Identifiers: ClinVar variation 4719653 (VCV004719653.1).